The following is an entry in ClinVar:

ClinVar aggregate classification (germline): Uncertain significance (1 of 4 stars; one submission).

Conditions:
Cardiovascular phenotype. Identifiers: MedGen CN230736.

Submission:

Ambry Genetics
Classification: Uncertain significance for Cardiovascular phenotype. Last evaluated: 2023-09-07. Review status: criteria provided, single submitter. Criteria: Ambry Variant Classification Scheme 2023. Collection method: clinical testing. Allele origin: germline.
Comment: The c.1179delC variant, located in coding exon 11 of the MYH7 gene, results from a deletion of one nucleotide at nucleotide position 1179, causing a translational frameshift with a predicted alternate stop codon (p.D394Tfs*11). This alteration is expected to result in loss of function by premature protein truncation or nonsense-mediated mRNA decay. However, loss of function of MYH7 has not been established as a mechanism of disease. Since supporting evidence is limited at this time, the clinical significance of this alteration remains unclear.

NM_000257.4(MYH7):c.1179del (p.Asp394fs)

Gene: MYH7 (myosin heavy chain 7; minus strand). Cytogenetic location: 14q11.2.
Variant type: Deletion.
Coding change: c.1179del on transcript NM_000257.4 (MANE Select); coding-DNA position 1179, one base deleted (C; older notation c.1179delC).
Protein change: p.Asp394fs; shifts the reading frame from aspartic acid 394.
Molecular consequence: frameshift variant.
Genome position (GRCh38, 1-based): chr14:23,429,307, G deleted on the plus strand (C on the coding strand, the reverse complement: MYH7 is on the minus strand); the first of 2 consecutive G bases (chr14:23,429,307-23,429,308); deleting either gives the same sequence. VCF-style (leftmost placement, unchanged base first): chr14-23429306-CG-C. GRCh37 (hg19) VCF-style: chr14-23898515-CG-C.
Other names: c.1179del, p.Asp394fs (NM_001407004.1); c.1179delC (NM_000257.4); short protein forms D394fs.
Identifiers: ClinVar variation 2625318 (VCV002625318.2), dbSNP rs2502303357, ClinGen allele CA2582341744.